The following is an entry in ClinVar:

NM_012243.3(SLC35A3):c.594_598del (p.Lys198fs)

Gene: SLC35A3 (solute carrier family 35 member A3; plus strand). Cytogenetic location: 1p21.2.
Variant type: Deletion.
Coding change: c.594_598del on transcript NM_012243.3 (MANE Select); coding-DNA positions 594 to 598, 5 bases deleted (AGAAA; older notation c.594_598delAGAAA).
Protein change: p.Lys198fs; shifts the reading frame from lysine 198.
Molecular consequence: frameshift variant.
Genome position (GRCh38, 1-based): chr1:100,011,493-100,011,497, AGAAA deleted; deleting any 5 consecutive bases within chr1:100,011,490-100,011,497 gives the same sequence; the c. name uses the placement nearest the transcript's 3' end. VCF-style (leftmost placement, unchanged base first): chr1-100011489-TAAAAG-T. GRCh37 (hg19) VCF-style: chr1-100477045-TAAAAG-T.
Other names: c.594_598del, p.Lys198fs (NM_001271684.2); c.720_724del, p.Lys240fs (NM_001271685.2); short protein forms K198fs, K240fs.
Identifiers: ClinVar variation 1455157 (VCV001455157.9), dbSNP rs1332257684, ClinGen allele CA419069322.

ClinVar aggregate classification (germline): Pathogenic/Likely pathogenic. Review status: criteria provided, multiple submitters, no conflicts (2 of 4 stars). 4 submissions from 4 submitters: Pathogenic (1); Likely pathogenic (3). Last evaluated 2025-10-09.

Conditions:
Autism spectrum disorder - epilepsy - arthrogryposis syndrome (AMRS). Identifiers: Orphanet 370943, MedGen C3809910, MONDO:0014248, OMIM 615553.

Submissions (4):

Natera, Inc.
Classification: Likely pathogenic for Arthrogryposis, mental retardation, and seizures. Last evaluated: 2025-10-09. Review status: criteria provided, single submitter. Criteria: Natera Variant Classification Schema (03/2026). Collection method: clinical testing. Allele origin: germline.
Comment: The c.594_598delAGAAA variant in SLC35A3 is a frameshift variant predicted to shift the reading frame beginning at codon 198 and leads to a stop codon 28 codons downstream. This variant is expected to result in nonsense mediated decay, truncation, or a dysfunctional protein product. This variant is rare in the general population with a frequency below the threshold expected for the associated phenotype(s). Given the available evidence, this variant is classified as Likely Pathogenic.

Dasa
Classification: Likely pathogenic. Last evaluated: 2025-09-22. Review status: criteria provided, single submitter. Criteria: DASA Assertion Criteria. Collection method: clinical testing. Allele origin: germline.
Comment: NM_012243.3(SLC35A3):c.594_598del (p.Lys198Asnfs*28) introduces a premature termination codon predicted to result in loss of normal protein function. Loss-of-function is an established mechanism of disease for this gene. The variant is present at low frequency in population datasets. Based on the available data, this variant is classified as likely pathogenic.

Labcorp Genetics (formerly Invitae), Labcorp
Classification: Pathogenic for Autism spectrum disorder - epilepsy - arthrogryposis syndrome. Last evaluated: 2023-11-18. Review status: criteria provided, single submitter. Criteria: Invitae Variant Classification Sherloc (09022015). Collection method: clinical testing. Allele origin: germline.
Comment: This sequence change creates a premature translational stop signal (p.Lys198Asnfs*28) in the SLC35A3 gene. It is expected to result in an absent or disrupted protein product. Loss-of-function variants in SLC35A3 are known to be pathogenic (PMID: 24031089, 28328131). This variant is present in population databases (no rsID available, gnomAD 0.0009%). This variant has not been reported in the literature in individuals affected with SLC35A3-related conditions. ClinVar contains an entry for this variant (Variation ID: 1455157). For these reasons, this variant has been classified as Pathogenic.

Women's Health and Genetics/Laboratory Corporation of America, LabCorp
Classification: Likely pathogenic for Autism spectrum disorder - epilepsy - arthrogryposis syndrome. Last evaluated: 2022-08-10. Review status: criteria provided, single submitter. Criteria: LabCorp Variant Classification Summary - May 2015. Collection method: clinical testing. Allele origin: germline.
Comment: Variant summary: SLC35A3 c.594_598delAGAAA (p.Lys198AsnfsX28) results in a premature termination codon, predicted to cause a truncation of the encoded protein or absence of the protein due to nonsense mediated decay, which are commonly known mechanisms for disease. Truncations downstream of this position have been classified as pathogenic in ClinVar database. The variant allele was found at a frequency of 4.1e-06 in 241730 control chromosomes (gnomAD). To our knowledge, no occurrence of c.594_598delAGAAA in individuals affected with Arthrogryposis, Mental Retardation, And Seizures and no experimental evidence demonstrating its impact on protein function have been reported. One ClinVar submitter (evaluation after 2014) cites the variant as pathogenic. Based on the evidence outlined above, the variant was classified as likely pathogenic.

Literature cited by the submitters: PubMed 24031089 (cited by Labcorp Genetics (formerly Invitae), Labcorp); PubMed 28328131 (cited by Labcorp Genetics (formerly Invitae), Labcorp).